The following is an entry in ClinVar:

NM_001005242.3(PKP2):c.-6G>T

Gene: PKP2 (plakophilin 2; minus strand). Cytogenetic location: 12p11.21.
Variant type: single nucleotide variant.
Coding change: c.-6G>T on transcript NM_001005242.3 (MANE Select); 6 bases upstream of the start codon, G replaced by T.
Molecular consequence: 5 prime UTR variant.
Genome position (GRCh38, 1-based): chr12:32,896,737, C>A on the plus strand (G>T on the coding strand, the complement: PKP2 is on the minus strand). VCF-style: chr12-32896737-C-A. GRCh37 (hg19) VCF-style: chr12-33049671-C-A.
Other names: c.-6G>T (NM_001407155.1, NM_001407156.1, NM_001407157.1 and 2 more transcripts); c.-832G>T (NM_001407158.1, NM_001407162.1); c.-596G>T (NM_001407159.1, NM_001407160.1).
Identifiers: ClinVar variation 2774114 (VCV002774114.2), dbSNP rs1468128165, ClinGen allele CA2575118587.

ClinVar aggregate classification (germline): Uncertain significance (1 of 4 stars; one submission).

Conditions:
Cardiomyopathy (CMYO). Also called: Cardiomyopathies. Identifiers: Orphanet 167848, MedGen C0878544, MONDO:0004994, HP:0001638. Inheritance: Various modes of inheritance.

gnomAD v4.1: 4 of 1,403,102 alleles (0.00029%); highest among the groups gnomAD compares: South Asian, 0.0042%; no homozygotes.

Submission:

Color Diagnostics, LLC DBA Color Health
Classification: Uncertain significance for Cardiomyopathy. Last evaluated: 2023-11-20. Review status: criteria provided, single submitter. Criteria: ACMG Guidelines, 2015. Collection method: clinical testing. Allele origin: germline.
Comment: This variant is located in the 5' untranslated region of the PKP2 gene. To our knowledge, functional studies have not been reported for this variant. This variant has not been reported in individuals affected with PKP2-related disorders in the literature. This variant has not been identified in the general population by the Genome Aggregation Database (gnomAD). The available evidence is insufficient to determine the role of this variant in disease conclusively. Therefore, this variant is classified as a Variant of Uncertain Significance.